The following is an entry in ClinVar:

ClinVar aggregate classification (germline): Uncertain significance (1 of 4 stars; one submission).

Conditions:
Autosomal dominant limb-girdle muscular dystrophy type 1F (LGMDD2). Also called: Limb-girdle muscular dystrophy, type 1F; MUSCULAR DYSTROPHY, LIMB-GIRDLE, AUTOSOMAL DOMINANT 2. Identifiers: Orphanet 55595, MedGen C1842062, MONDO:0012034, OMIM 608423.

Submission:

Labcorp Genetics (formerly Invitae), Labcorp
Classification: Uncertain significance for Autosomal dominant limb-girdle muscular dystrophy type 1F. Last evaluated: 2022-11-25. Review status: criteria provided, single submitter. Criteria: Invitae Variant Classification Sherloc (09022015). Collection method: clinical testing. Allele origin: germline.
Comment: In summary, the available evidence is currently insufficient to determine the role of this variant in disease. Therefore, it has been classified as a Variant of Uncertain Significance. Advanced modeling of protein sequence and biophysical properties (such as structural, functional, and spatial information, amino acid conservation, physicochemical variation, residue mobility, and thermodynamic stability) performed at Invitae indicates that this missense variant is not expected to disrupt TNPO3 protein function. This variant has not been reported in the literature in individuals affected with TNPO3-related conditions. This variant is not present in population databases (gnomAD no frequency). This sequence change replaces valine, which is neutral and non-polar, with leucine, which is neutral and non-polar, at codon 436 of the TNPO3 protein (p.Val436Leu).

NM_012470.4(TNPO3):c.1306G>T (p.Val436Leu)

Gene: TNPO3 (transportin 3; minus strand). Cytogenetic location: 7q32.1.
Variant type: single nucleotide variant.
Coding change: c.1306G>T on transcript NM_012470.4 (MANE Select); coding-DNA position 1306, G replaced by T.
Protein change: p.Val436Leu; replaces valine 436 with leucine.
Molecular consequence: missense variant. On other transcripts: non-coding transcript variant (16).
Genome position (GRCh38, 1-based): chr7:128,992,051, C>A on the plus strand (G>T on the coding strand, the complement: TNPO3 is on the minus strand). VCF-style: chr7-128992051-C-A. GRCh37 (hg19) VCF-style: chr7-128632105-C-A.
Other names: c.1306G>T, p.Val436Leu (NM_001191028.3, NM_001382216.1, NM_001382218.1 and 2 more transcripts); c.1387G>T, p.Val463Leu (NM_001382217.1); c.1198G>T, p.Val400Leu (NM_001382219.1); c.1162G>T, p.Val388Leu (NM_001382221.1); c.1159G>T, p.Val387Leu (NM_001382222.1); short protein forms V436L, V463L, V387L, V388L, V400L.
Identifiers: ClinVar variation 2816611 (VCV002816611.3), dbSNP rs2536155619, ClinGen allele CA369231552.